The following is an entry in ClinVar:

NM_004100.5(EYA4):c.1324A>G (p.Asn442Asp)

Genes: TARID (TCF21 antisense RNA inducing promoter demethylation; minus strand), EYA4 (EYA transcriptional coactivator and phosphatase 4; plus strand). Cytogenetic location: 6q23.2.
Variant type: single nucleotide variant.
Coding change: c.1324A>G on transcript NM_004100.5 (MANE Select); coding-DNA position 1324, A replaced by G.
Protein change: p.Asn442Asp; replaces asparagine 442 with aspartic acid.
Molecular consequence: missense variant.
Genome position (GRCh38, 1-based): chr6:133,512,763, A>G. VCF-style: chr6-133512763-A-G. GRCh37 (hg19) VCF-style: chr6-133833901-A-G.
Other names: c.1162A>G, p.Asn388Asp (NM_001301012.2); c.1342A>G, p.Asn448Asp (NM_001301013.2); c.1255A>G, p.Asn419Asp (NM_001370458.1, NM_172103.4); c.1180A>G, p.Asn394Asp (NM_001370459.1); c.1324A>G, p.Asn442Asp (NM_172105.4); short protein forms N442D, N394D, N419D, N388D, N448D.
Identifiers: ClinVar variation 1947054 (VCV001947054.5), dbSNP rs1198184114, ClinGen allele CA365714743.

ClinVar aggregate classification (germline): Uncertain significance (1 of 4 stars; one submission).

Conditions:
Dilated cardiomyopathy 1J (CMD1J). Also called: CARDIOMYOPATHY, DILATED, WITH SENSORINEURAL HEARING LOSS, AUTOSOMAL DOMINANT. Identifiers: Orphanet 217622, MedGen C1854368, MONDO:0011541, OMIM 605362.

Allele frequency attached by ClinVar (database versions not stated): TOPMed below 0.00001.

Submission:

Labcorp Genetics (formerly Invitae), Labcorp
Classification: Uncertain significance for Dilated cardiomyopathy 1J. Last evaluated: 2023-01-13. Review status: criteria provided, single submitter. Criteria: Invitae Variant Classification Sherloc (09022015). Collection method: clinical testing. Allele origin: germline.
Comment: This variant is not present in population databases (gnomAD no frequency). This sequence change replaces asparagine, which is neutral and polar, with aspartic acid, which is acidic and polar, at codon 442 of the EYA4 protein (p.Asn442Asp). This variant has not been reported in the literature in individuals affected with EYA4-related conditions. In summary, the available evidence is currently insufficient to determine the role of this variant in disease. Therefore, it has been classified as a Variant of Uncertain Significance. Advanced modeling of protein sequence and biophysical properties (such as structural, functional, and spatial information, amino acid conservation, physicochemical variation, residue mobility, and thermodynamic stability) performed at Invitae indicates that this missense variant is expected to disrupt EYA4 protein function.